The following is an entry in ClinVar:

ClinVar aggregate classification (germline): Uncertain significance (1 of 4 stars; one submission).

Conditions:
Wilson disease (WND). Also called: Wilson's disease. Identifiers: Orphanet 905, MedGen C0019202, MONDO:0010200, OMIM 277900. Disease mechanism: loss of function.

gnomAD v4.1: 1 of 1,614,250 alleles (0.000062%); no homozygotes.

Submission:

Labcorp Genetics (formerly Invitae), Labcorp
Classification: Uncertain significance for Wilson disease. Last evaluated: 2021-12-19. Review status: criteria provided, single submitter. Criteria: Invitae Variant Classification Sherloc (09022015). Collection method: clinical testing. Allele origin: germline.
Comment: In summary, the available evidence is currently insufficient to determine the role of this variant in disease. Therefore, it has been classified as a Variant of Uncertain Significance. Advanced modeling of protein sequence and biophysical properties (such as structural, functional, and spatial information, amino acid conservation, physicochemical variation, residue mobility, and thermodynamic stability) performed at Invitae indicates that this missense variant is not expected to disrupt ATP7B protein function. This variant has not been reported in the literature in individuals affected with ATP7B-related conditions. This variant is not present in population databases (gnomAD no frequency). This sequence change replaces glutamic acid, which is acidic and polar, with aspartic acid, which is acidic and polar, at codon 3 of the ATP7B protein (p.Glu3Asp).

NM_000053.4(ATP7B):c.9G>C (p.Glu3Asp)

Gene: ATP7B (ATPase copper transporting beta; minus strand). Cytogenetic location: 13q14.3.
Variant type: single nucleotide variant.
Coding change: c.9G>C on transcript NM_000053.4 (MANE Select); coding-DNA position 9, G replaced by C.
Protein change: p.Glu3Asp; replaces glutamic acid 3 with aspartic acid.
Molecular consequence: missense variant.
Genome position (GRCh38, 1-based): chr13:52,011,329, C>G on the plus strand (G>C on the coding strand, the complement: ATP7B is on the minus strand). VCF-style: chr13-52011329-C-G. GRCh37 (hg19) VCF-style: chr13-52585465-C-G.
Other names: c.9G>C, p.Glu3Asp (NM_001005918.3, NM_001243182.2, NM_001330578.2 and 30 more transcripts); c.-179G>C (NM_001406518.1); c.-121G>C (NM_001406539.1, NM_001406543.1); short protein forms E3D.
Identifiers: ClinVar variation 1978436 (VCV001978436.4), dbSNP rs587783322, ClinGen allele CA388047711.